The following is an entry in ClinVar:

ClinVar aggregate classification (germline): Uncertain significance (1 of 4 stars; one submission).

gnomAD v4.1: 5 of 1,613,688 alleles (0.00031%); highest among the groups gnomAD compares: Non-Finnish European, 0.00042%; no homozygotes.

Submission:

Labcorp Genetics (formerly Invitae), Labcorp
Classification: Uncertain significance. Last evaluated: 2022-06-24. Review status: criteria provided, single submitter. Criteria: Invitae Variant Classification Sherloc (09022015). Collection method: clinical testing. Allele origin: germline.
Comment: In summary, the available evidence is currently insufficient to determine the role of this variant in disease. Therefore, it has been classified as a Variant of Uncertain Significance. Algorithms developed to predict the effect of missense changes on protein structure and function (SIFT, PolyPhen-2, Align-GVGD) all suggest that this variant is likely to be tolerated. This variant has not been reported in the literature in individuals affected with SORL1-related conditions. This variant is not present in population databases (gnomAD no frequency). This sequence change replaces proline, which is neutral and non-polar, with serine, which is neutral and polar, at codon 712 of the SORL1 protein (p.Pro712Ser).

NM_003105.6(SORL1):c.2134C>T (p.Pro712Ser)

Gene: SORL1 (sortilin related receptor 1; plus strand). Cytogenetic location: 11q24.1.
Variant type: single nucleotide variant.
Coding change: c.2134C>T on transcript NM_003105.6 (MANE Select); coding-DNA position 2134, C replaced by T.
Protein change: p.Pro712Ser; replaces proline 712 with serine.
Molecular consequence: missense variant.
Genome position (GRCh38, 1-based): chr11:121,550,042, C>T. VCF-style: chr11-121550042-C-T. GRCh37 (hg19) VCF-style: chr11-121420751-C-T.
Other names: short protein forms P712S.
Identifiers: ClinVar variation 1949094 (VCV001949094.5), dbSNP rs145498119, ClinGen allele CA229894051.
Genomic context (GRCh38, chr11:121,550,042, plus strand): 5'-GAAGATTTGTCATTAGAGGTTTGTGTTCCAGATCCGGAATTTTCTGGAAAGTCATACTCC[C>T]CTCCTGTGCCTTGCCCTGTGGGTTCTACTTACAGGAGAACGAGAGGGTATGTATCACAGA-3'
Protein context (NP_003096.2, residues 702-722): DPEFSGKSYS[Pro712Ser]PVPCPVGSTY